The following is an entry in ClinVar:

ClinVar aggregate classification (germline): Uncertain significance (1 of 4 stars; one submission).

Allele frequency attached by ClinVar (database versions not stated): gnomAD exomes 0.00001.

Submission:

GeneDx
Classification: Uncertain significance. Last evaluated: 2021-03-31. Review status: criteria provided, single submitter. Criteria: GeneDx Variant Classification Process June 2021. Collection method: clinical testing. Allele origin: germline. Affected: yes.
Comment: Not observed at a significant frequency in large population cohorts (Lek et al., 2016); In silico analysis supports that this missense variant does not alter protein structure/function; Has not been previously published as pathogenic or benign to our knowledge

NM_138694.4(PKHD1):c.5028G>C (p.Gln1676His)

Genes: PKHD1 (PKHD1 ciliary IPT domain containing fibrocystin/polyductin; minus strand), LOC126859690 (MED14-independent group 3 enhancer GRCh37_chr6:51888848-51890047; plus strand). Cytogenetic location: 6p12.2.
Variant type: single nucleotide variant.
Coding change: c.5028G>C on transcript NM_138694.4 (MANE Select); coding-DNA position 5028, G replaced by C.
Protein change: p.Gln1676His; replaces glutamine 1676 with histidine.
Molecular consequence: missense variant.
Genome position (GRCh38, 1-based): chr6:52,024,782, C>G on the plus strand (G>C on the coding strand, the complement: PKHD1 is on the minus strand). VCF-style: chr6-52024782-C-G. GRCh37 (hg19) VCF-style: chr6-51889580-C-G.
Other names: c.5028G>C, p.Gln1676His (NM_170724.3); short protein forms Q1676H.
Identifiers: ClinVar variation 1314430 (VCV001314430.2), dbSNP rs370442700, ClinGen allele CA364430015.